The following is an entry in ClinVar:

NM_170707.4(LMNA):c.1547C>T (p.Ala516Val)

Gene: LMNA (lamin A/C; plus strand). Cytogenetic location: 1q22.
Variant type: single nucleotide variant.
Coding change: c.1547C>T on transcript NM_170707.4 (MANE Select); coding-DNA position 1547, C replaced by T.
Protein change: p.Ala516Val; replaces alanine 516 with valine.
Molecular consequence: missense variant.
Genome position (GRCh38, 1-based): chr1:156,137,171, C>T. VCF-style: chr1-156137171-C-T. GRCh37 (hg19) VCF-style: chr1-156106962-C-T.
Other names: c.1211C>T, p.Ala404Val (NM_001257374.3, NM_001406989.1, NM_001406998.1); c.1304C>T, p.Ala435Val (NM_001282624.2, NM_001406986.1, NM_001406987.1); c.1547C>T, p.Ala516Val (NM_001282625.2, NM_001282626.2, NM_001406983.1 and 6 more transcripts); c.1250C>T, p.Ala417Val (NM_001406988.1); c.989C>T, p.Ala330Val (NM_001406990.1, NM_001406993.1, NM_001406995.1 and 4 more transcripts); c.923C>T, p.Ala308Val (NM_001406994.1, NM_001406999.1, NM_001407000.1 and 1 more transcripts); short protein forms A308V, A516V, A330V, A404V, A435V, A417V.
Identifiers: ClinVar variation 2813118 (VCV002813118.3), dbSNP rs1318350884, ClinGen allele CA342823291.

ClinVar aggregate classification (germline): Uncertain significance (1 of 4 stars; one submission).

Conditions:
Charcot-Marie-Tooth disease type 2. Also called: Charcot-Marie-Tooth type 2. Identifiers: Orphanet 64746, MedGen C0270914, MONDO:0018993.

Allele frequency attached by ClinVar (database versions not stated): gnomAD exomes below 0.00001.
gnomAD v4.1: 1 of 1,611,536 alleles (0.000062%); highest among the groups gnomAD compares: East Asian, 0.0022%; no homozygotes.

Submission:

Labcorp Genetics (formerly Invitae), Labcorp
Classification: Uncertain significance for Charcot-Marie-Tooth disease type 2. Last evaluated: 2022-11-09. Review status: criteria provided, single submitter. Criteria: Invitae Variant Classification Sherloc (09022015). Collection method: clinical testing. Allele origin: germline.
Comment: This sequence change replaces alanine, which is neutral and non-polar, with valine, which is neutral and non-polar, at codon 516 of the LMNA protein (p.Ala516Val). The frequency data for this variant in the population databases is considered unreliable, as metrics indicate poor data quality at this position in the gnomAD database. This variant has not been reported in the literature in individuals affected with LMNA-related conditions. Advanced modeling of protein sequence and biophysical properties (such as structural, functional, and spatial information, amino acid conservation, physicochemical variation, residue mobility, and thermodynamic stability) performed at Invitae indicates that this missense variant is expected to disrupt LMNA protein function. In summary, the available evidence is currently insufficient to determine the role of this variant in disease. Therefore, it has been classified as a Variant of Uncertain Significance.